The following is an entry in ClinVar:

ClinVar aggregate classification (germline): Benign/Likely benign. Review status: criteria provided, multiple submitters, no conflicts (2 of 4 stars). 5 submissions from 5 submitters: Benign (2); Likely benign (2). 1 of the submissions does not count toward it. Last evaluated 2026-07-01.

Conditions:
PLOD1-related disorder. Also called: PLOD1-related condition.
Ehlers-Danlos syndrome, kyphoscoliotic type 1 (EDSKSCL1). Also called: EHLERS-DANLOS SYNDROME, TYPE VIA; Ehlers-Danlos syndrome, hydroxylysine-deficient; EHLERS-DANLOS SYNDROME, OCULAR-SCOLIOTIC TYPE; PLOD1-Related Kyphoscoliotic Ehlers-Danlos Syndrome. Identifiers: Orphanet 1900, MedGen C0268342, MONDO:0016002, OMIM 225400. Disease mechanism: loss of function.

Allele frequency attached by ClinVar (database versions not stated): gnomAD exomes 0.00006 and 0.00019; ExAC 0.00026; 1000 Genomes Project 30x 0.00062; ESP Exome Variant Server 0.00069; 1000 Genomes Project 0.00080; TOPMed 0.00082; gnomAD 0.00083 and 0.00092.
gnomAD v4.1: 225 of 1,613,876 alleles (0.014%); highest among the groups gnomAD compares: African/African-American, 0.26%; no homozygotes.

Submissions (5):

CeGaT Center for Human Genetics Tuebingen
Classification: Likely benign. Last evaluated: 2026-07-01. Review status: criteria provided, single submitter. Criteria: CeGaT Center For Human Genetics Tuebingen Variant Classification Criteria Version 2. Collection method: clinical testing. Allele origin: germline. Affected: yes. Observed: 1 variant allele.
Comment: PLOD1: BP4

Women's Health and Genetics/Laboratory Corporation of America, LabCorp
Classification: Likely benign. Last evaluated: 2026-01-22. Review status: criteria provided, single submitter. Criteria: LabCorp Variant Classification Summary - May 2015. Collection method: clinical testing. Allele origin: germline.

Labcorp Genetics (formerly Invitae), Labcorp
Classification: Benign for Ehlers-Danlos syndrome, kyphoscoliotic type 1. Last evaluated: 2026-01-04. Review status: criteria provided, single submitter. Criteria: Invitae Variant Classification Sherloc (09022015). Collection method: clinical testing. Allele origin: germline.

Breakthrough Genomics
Classification: Benign. Review status: criteria provided, single submitter. Criteria: ACMG Guidelines, 2015. Collection method: not provided. Allele origin: germline. Inheritance: Autosomal recessive inheritance. Affected: yes.

PreventionGenetics, part of Exact Sciences
Classification: Likely benign for PLOD1-related condition. Last evaluated: 2022-05-04. Review status: no assertion criteria provided. Collection method: clinical testing. Allele origin: germline. Not counted in ClinVar's aggregate classification.
Comment: This variant is classified as likely benign based on ACMG/AMP sequence variant interpretation guidelines (Richards et al. 2015 PMID: 25741868, with internal and published modifications).

NM_000302.4(PLOD1):c.2028+8G>T

Gene: PLOD1 (procollagen-lysine,2-oxoglutarate 5-dioxygenase 1; plus strand). Cytogenetic location: 1p36.22.
Variant type: single nucleotide variant.
Coding change: c.2028+8G>T on transcript NM_000302.4 (MANE Select); 8 bases into the intron after coding-DNA position 2028, G replaced by T.
Molecular consequence: intron variant.
Genome position (GRCh38, 1-based): chr1:11,973,005, G>T. VCF-style: chr1-11973005-G-T. GRCh37 (hg19) VCF-style: chr1-12033062-G-T.
Other names: c.2169+8G>T (NM_001316320.2).
Identifiers: ClinVar variation 771237 (VCV000771237.14), dbSNP rs181951731, ClinGen allele CA598633.